The following is an entry in ClinVar:

ClinVar aggregate classification (germline): Uncertain significance. Review status: criteria provided, multiple submitters, no conflicts (2 of 4 stars). 8 submissions from 7 submitters: Uncertain significance (6). 2 of the submissions do not count toward it. Last evaluated 2026-03-02.

Conditions:
Inborn genetic diseases. Identifiers: MedGen C0950123, MeSH D030342.
Meckel-Gruber syndrome. Also called: Dysencephalia splachnocystica; DYSENCEPHALIA SPLANCHNOCYSTICA; GRUBER SYNDROME. Identifiers: Orphanet 564, MedGen C0265215, MONDO:0018921.
Joubert syndrome. Also called: JOUBERT-BOLTSHAUSER SYNDROME; Familial aplasia of the vermis. Identifiers: Orphanet 475, MedGen C5979921, MONDO:0018772.
MKS1-related disorder. Also called: MKS1-related condition; MKS1-related disorders. Identifiers: MedGen CN239382.
Meckel syndrome, type 1 (MKS1). Also called: MECKEL-GRUBER SYNDROME, TYPE 1. Identifiers: Orphanet 564, MedGen C3714506, MONDO:0009571, OMIM 249000.
Bardet-Biedl syndrome 13 (BBS13). Identifiers: Orphanet 110, MedGen C2673873, MONDO:0014441, OMIM 615990.
Joubert syndrome 28 (JBTS28). Identifiers: MedGen C4310705, MONDO:0014928, OMIM 617121.

Allele frequency attached by ClinVar (database versions not stated): gnomAD exomes 0.00003 and 0.00008; gnomAD 0.00006 and 0.00008; TOPMed 0.00007; 1000 Genomes Project 30x 0.00016.

Submissions (8):

PreventionGenetics, part of Exact Sciences
Classification: Uncertain significance for MKS1-related condition. Last evaluated: 2026-03-02. Review status: criteria provided, single submitter. Criteria: ACMG Guidelines, 2015. Collection method: clinical testing. Allele origin: germline.
Comment: The MKS1 c.10A>T variant is predicted to result in the amino acid substitution p.Thr4Ser. To our knowledge, this variant has not been reported in the literature. This variant is reported in 0.011% of alleles in individuals of European (Non-Finnish) descent in gnomAD. At this time, the clinical significance of this variant is uncertain due to the absence of conclusive functional and genetic evidence.

Ambry Genetics
Classification: Uncertain significance for Inborn genetic diseases. Last evaluated: 2024-11-24. Review status: criteria provided, single submitter. Criteria: Ambry Variant Classification Scheme 2023. Collection method: clinical testing. Allele origin: germline.

Fulgent Genetics
Classification: Uncertain significance for Meckel syndrome, type 1; Bardet-Biedl syndrome 13; Joubert syndrome 28. Last evaluated: 2024-01-23. Review status: criteria provided, single submitter. Criteria: ACMG Guidelines, 2015. Collection method: clinical testing. Allele origin: germline.

Labcorp Genetics (formerly Invitae), Labcorp
Classification: Uncertain significance for Joubert syndrome; Meckel-Gruber syndrome. Last evaluated: 2022-07-24. Review status: criteria provided, single submitter. Criteria: Invitae Variant Classification Sherloc (09022015). Collection method: clinical testing. Allele origin: germline.
Comment: This sequence change replaces threonine, which is neutral and polar, with serine, which is neutral and polar, at codon 4 of the MKS1 protein (p.Thr4Ser). This variant is present in population databases (no rsID available, gnomAD 0.01%). This variant has not been reported in the literature in individuals affected with MKS1-related conditions. ClinVar contains an entry for this variant (Variation ID: 892462). Advanced modeling of protein sequence and biophysical properties (such as structural, functional, and spatial information, amino acid conservation, physicochemical variation, residue mobility, and thermodynamic stability) performed at Invitae indicates that this missense variant is not expected to disrupt MKS1 protein function. In summary, the available evidence is currently insufficient to determine the role of this variant in disease. Therefore, it has been classified as a Variant of Uncertain Significance.

Illumina Laboratory Services, Illumina
Classification: Uncertain significance for Meckel syndrome, type 1. Last evaluated: 2017-04-27. Review status: criteria provided, single submitter. Criteria: ICSL Variant Classification Criteria 13 December 2019. Collection method: clinical testing. Allele origin: germline.

Illumina Laboratory Services, Illumina
Classification: Uncertain significance for Bardet-Biedl syndrome 13. Last evaluated: 2017-04-27. Review status: criteria provided, single submitter. Criteria: ICSL Variant Classification Criteria 13 December 2019. Collection method: clinical testing. Allele origin: germline.

Natera, Inc.
Classification: Uncertain significance for Meckel syndrome type 1. Last evaluated: 2020-02-13. Review status: no assertion criteria provided. Collection method: clinical testing. Allele origin: germline. Not counted in ClinVar's aggregate classification.

Department of Pathology and Laboratory Medicine, Sinai Health System
Classification: Uncertain significance. Review status: no assertion criteria provided. Collection method: clinical testing. Allele origin: unknown. Affected: yes. Study: The Canadian Open Genetics Repository (COGR). Not counted in ClinVar's aggregate classification.
Comment: The MKS1 p.T4S variant was not identified in the literature but was identified in dbSNP (ID: rs928775924) and ClinVar (classified as uncertain significance by Illumina and Invitae). The variant was identified in control databases in 8 of 182846 chromosomes at a frequency of 0.00004375 (Genome Aggregation Database March 6, 2019, v2.1.1). The p.T4 residue is not conserved in mammals and computational analyses (MUT Assesor, SIFT, MutationTaster, Revel, FATHMM, MetaLR, DANN) do not suggest a high likelihood of impact to the protein; this information is not predictive enough to rule out pathogenicity. The variant occurs outside of the splicing consensus sequence and in silico or computational prediction software programs (Splice AI exome) do not predict a deleterious effect on splicing. In summary, based on the above information the clinical significance of this variant cannot be determined with certainty at this time. This variant is classified as a variant of uncertain significance.

NM_017777.4(MKS1):c.10A>T (p.Thr4Ser)

Genes: MKS1 (MKS transition zone complex subunit 1; minus strand), LOC130061271 (ATAC-STARR-seq lymphoblastoid active region 12461; plus strand). Cytogenetic location: 17q22.
Variant type: single nucleotide variant.
Coding change: c.10A>T on transcript NM_017777.4 (MANE Select); coding-DNA position 10, A replaced by T.
Protein change: p.Thr4Ser; replaces threonine 4 with serine.
Molecular consequence: missense variant. On other transcripts: 5 prime UTR variant (1).
Genome position (GRCh38, 1-based): chr17:58,219,221, T>A on the plus strand (A>T on the coding strand, the complement: MKS1 is on the minus strand). VCF-style: chr17-58219221-T-A. GRCh37 (hg19) VCF-style: chr17-56296582-T-A.
Other names: c.-502A>T (NM_001321268.2); c.10A>T, p.Thr4Ser (NM_001321269.2, NM_001330397.2); short protein forms T4S.
Identifiers: ClinVar variation 892462 (VCV000892462.19), dbSNP rs928775924, ClinGen allele CA292016773.